The following is an entry in ClinVar:

ClinVar aggregate classification (germline): Uncertain significance. Review status: criteria provided, multiple submitters, no conflicts (2 of 4 stars). 2 submissions from 2 submitters: Uncertain significance (2). Last evaluated 2025-10-19.

Conditions:
Hereditary spastic paraplegia 50 (SPG50). Also called: Spastic paraplegia 50, autosomal recessive. Identifiers: Orphanet 280763, MedGen C2752008, MONDO:0013048, OMIM 612936.

Allele frequency attached by ClinVar (database versions not stated): gnomAD 0.00001 and 0.00002; gnomAD exomes 0.00001; TOPMed 0.00002.

Submissions (2):

Labcorp Genetics (formerly Invitae), Labcorp
Classification: Uncertain significance for Hereditary spastic paraplegia 50. Last evaluated: 2025-10-19. Review status: criteria provided, single submitter. Criteria: Invitae Variant Classification Sherloc (09022015). Collection method: clinical testing. Allele origin: germline.
Comment: This sequence change disrupts the translational stop signal of the AP4M1 mRNA. It is expected to extend the length of the AP4M1 protein by 84 additional amino acid residues. This variant is not present in population databases (gnomAD no frequency). This protein extension has been observed in individual(s) with clinical features of hereditary spastic paraplegia (PMID: 41018996; internal data). In at least one individual the data is consistent with being in trans (on the opposite chromosome) from a pathogenic variant. ClinVar contains an entry for this variant (Variation ID: 1309955). Experimental studies and prediction algorithms are not available or were not evaluated, and the functional significance of this variant is currently unknown. In summary, the available evidence is currently insufficient to determine the role of this variant in disease. Therefore, it has been classified as a Variant of Uncertain Significance.

GeneDx
Classification: Uncertain significance. Last evaluated: 2022-05-11. Review status: criteria provided, single submitter. Criteria: GeneDx Variant Classification Process June 2021. Collection method: clinical testing. Allele origin: germline. Affected: yes.
Comment: Not observed in large population cohorts (gnomAD); Normal stop codon changed to an Arginine codon, leading to the addition of 84 amino acids at the C-terminus; Has not been previously published as pathogenic or benign to our knowledge

Literature cited by the submitters: PubMed 41018996 (cited by Labcorp Genetics (formerly Invitae), Labcorp).

NM_004722.4(AP4M1):c.1360T>C (p.Ter454Arg)

Gene: AP4M1 (adaptor related protein complex 4 subunit mu 1; plus strand). Cytogenetic location: 7q22.1.
Variant type: single nucleotide variant.
Coding change: c.1360T>C on transcript NM_004722.4 (MANE Select); coding-DNA position 1360, T replaced by C.
Protein change: p.Ter454Arg.
Molecular consequence: stop lost.
Genome position (GRCh38, 1-based): chr7:100,106,880, T>C. VCF-style: chr7-100106880-T-C. GRCh37 (hg19) VCF-style: chr7-99704503-T-C.
Other names: c.1381T>C, p.Ter461Arg (NM_001363671.2).
Identifiers: ClinVar variation 1309955 (VCV001309955.6), dbSNP rs1200528735, ClinGen allele CA368477936.
Genomic context (GRCh38, chr7:100,106,880, plus strand): 5'-GCCAACCCCCACAAGTGGGTGCGACACCTAAGCCACAGCGACGCCTATGTCATTCGGATC[T>C]GAGGCTCCCCAAACGAGGACACGACGGCCAAGGTGGCAGTTTGTCCCACGGGAGGACAGT-3'